The following is an entry in ClinVar:

ClinVar aggregate classification (germline): Uncertain significance. Review status: criteria provided, single submitter (1 of 4 stars). 2 submissions from 2 submitters: Uncertain significance (1). 1 of the submissions does not count toward it. Last evaluated 2021-07-30.

Conditions:
Nonsyndromic genetic hearing loss. Also called: Nonsyndromic hearing loss and deafness; Non-syndromic genetic deafness; Nonsyndromic genetic deafness. Identifiers: Orphanet 87884, MedGen C5680182, MONDO:0019497.
Nonsyndromic Deafness. Also called: Non-syndromic hearing loss; Nonsyndromic hearing loss. Identifiers: MedGen C3711374, MeSH C580334.

gnomAD v4.1: 24 of 1,612,606 alleles (0.0015%); highest among the groups gnomAD compares: Admixed American, 0.0033%; no homozygotes.

Submissions (2):

Department of Pathology and Laboratory Medicine, Sinai Health System
Classification: Uncertain significance for nonsyndromic genetic hearing loss. Last evaluated: 2021-07-30. Review status: criteria provided, single submitter. Criteria: ACMG Guidelines, 2015. Collection method: research. Allele origin: germline.

Department of Otolaryngology, Hainan Branch, Shanghai Children’s Medical Center, School of Medicine, Shanghai Jiao Tong University
Classification: Likely pathogenic for Nonsyndromic hearing loss. Last evaluated: 2026-04-29. Review status: no assertion criteria provided. Collection method: research. Allele origin: germline. Inheritance: Autosomal recessive inheritance. Affected: yes and no. Observed: 4 variant alleles, 2 heterozygotes, 2 homozygotes. Clinical features observed: Bilateral sensorineural hearing impairment (HP:0008619). Not counted in ClinVar's aggregate classification.
Comment: The GIPC3 c.788-9G>A variant was identified in a family with nonsyndromic hearing loss and segregated with the disease in an autosomal recessive manner. RNA analysis demonstrated that this non-canonical splice-region variant leads to aberrant splicing with retention of 7 bp from the end of intron 5 (CCCGCAG). TA-clone sequencing confirmed transcript-specific consequences, including NM_133261.3:c.787_788insCCCGCAG (p.Ser264ArgfsTer1085) and NM_001411144.1:c.800_801insCCCGCAG (p.Val268ProfsTer23). The variant is extremely rare in population databases, with no homozygous occurrences in gnomAD. Taken together, the segregation data, rarity in population databases, and RNA evidence support classification of this variant as likely pathogenic (PVS1_RNA, PM2_supporting).

NM_133261.3(GIPC3):c.788-9G>A

Gene: GIPC3 (GIPC PDZ domain containing family member 3; plus strand). Cytogenetic location: 19p13.3.
Variant type: single nucleotide variant.
Coding change: c.788-9G>A on transcript NM_133261.3 (MANE Select); 9 bases into the intron before coding-DNA position 788, G replaced by A.
Molecular consequence: intron variant.
Genome position (GRCh38, 1-based): chr19:3,590,030, G>A. VCF-style: chr19-3590030-G-A. GRCh37 (hg19) VCF-style: chr19-3590028-G-A.
Other names: c.801-9G>A (NM_001411144.1).
Identifiers: ClinVar variation 3779696 (VCV003779696.2).